The following is an entry in ClinVar:

NM_000138.5(FBN1):c.5296+3G>T

Gene: FBN1 (fibrillin 1; minus strand). Cytogenetic location: 15q21.1.
Variant type: single nucleotide variant.
Coding change: c.5296+3G>T on transcript NM_000138.5 (MANE Select); 3 bases into the intron after coding-DNA position 5296, G replaced by T.
Molecular consequence: intron variant.
Genome position (GRCh38, 1-based): chr15:48,460,243, C>A on the plus strand (G>T on the coding strand, the complement: FBN1 is on the minus strand). VCF-style: chr15-48460243-C-A. GRCh37 (hg19) VCF-style: chr15-48752440-C-A.
Identifiers: ClinVar variation 942055 (VCV000942055.9), dbSNP rs2043270772, ClinGen allele CA1139663937.

ClinVar aggregate classification (germline): Pathogenic (1 of 4 stars; one submission).

Conditions:
Familial thoracic aortic aneurysm and aortic dissection (TAAD). Also called: Thoracic aortic aneurysms and dissections. Identifiers: Orphanet 91387, MedGen C4707243, MONDO:0019625.
Marfan syndrome (MFS). Also called: Marfan syndrome, classic; Marfan syndrome type 1; Marfan's syndrome; FBN1-Related Marfan Syndrome; MARFAN SYNDROME, TYPE I. Identifiers: Orphanet 284963, Orphanet 558, MedGen C0024796, MONDO:0007947, OMIM 154700.

Submission:

Labcorp Genetics (formerly Invitae), Labcorp
Classification: Pathogenic for Marfan syndrome; Familial thoracic aortic aneurysm and aortic dissection. Last evaluated: 2019-09-19. Review status: criteria provided, single submitter. Criteria: Invitae Variant Classification Sherloc (09022015). Collection method: clinical testing. Allele origin: germline.
Comment: This sequence change falls in intron 43 of the FBN1 gene. It does not directly change the encoded amino acid sequence of the FBN1 protein, but it affects a nucleotide within the consensus splice site of the intron. For these reasons, this variant has been classified as Pathogenic. Nucleotide substitutions within the consensus splice site are a relatively common cause of aberrant splicing (PMID: 17576681, 9536098). Algorithms developed to predict the effect of sequence changes on RNA splicing suggest that this variant may disrupt the consensus splice site, but this prediction has not been confirmed by published transcriptional studies. This variant has been observed in individual(s) with clinical features of Marfan syndrome (Invitae). In at least one individual the variant was observed to be de novo. This variant is not present in population databases (ExAC no frequency).

Literature cited by the submitters: PubMed 17576681; PubMed 9536098.